The following is an entry in ClinVar:

ClinVar aggregate classification (germline): Benign. Review status: criteria provided, multiple submitters, no conflicts (2 of 4 stars). 4 submissions from 4 submitters: Benign (4). Last evaluated 2026-02-04.

Conditions:
Hepatic veno-occlusive disease-immunodeficiency syndrome. Also called: Hepatic Veno-Occlusive Disease with Immunodeficiency. Identifiers: Orphanet 79124, MedGen C1856128, MONDO:0009338, OMIM 235550. Disease mechanism: loss of function.

Allele frequency attached by ClinVar (database versions not stated): 1000 Genomes Project 0.06809; 1000 Genomes Project 30x 0.06933; gnomAD 0.10124 and 0.10366; TOPMed 0.10156; ESP Exome Variant Server 0.10849.
gnomAD v4.1: 179,390 of 1,608,768 alleles (11%); highest among the groups gnomAD compares: Non-Finnish European, 12%; 10,935 homozygotes.

Submissions (4):

Labcorp Genetics (formerly Invitae), Labcorp
Classification: Benign for Hepatic veno-occlusive disease-immunodeficiency syndrome. Last evaluated: 2026-02-04. Review status: criteria provided, single submitter. Criteria: Invitae Variant Classification Sherloc (09022015). Collection method: clinical testing. Allele origin: germline.

Illumina Laboratory Services, Illumina
Classification: Benign for Hepatic veno-occlusive disease-immunodeficiency syndrome. Last evaluated: 2018-01-12. Review status: criteria provided, single submitter. Criteria: ICSL Variant Classification Criteria 13 December 2019. Collection method: clinical testing. Allele origin: germline.
Comment: This variant was observed in the ICSL laboratory as part of a predisposition screen in an ostensibly healthy population. It had not been previously curated by ICSL or reported in the Human Gene Mutation Database (HGMD: prior to June 1st, 2018), and was therefore a candidate for classification through an automated scoring system. Utilizing variant allele frequency, disease prevalence and penetrance estimates, and inheritance mode, an automated score was calculated to assess if this variant is too frequent to cause the disease. Based on the score and internal cut-off values, a variant classified as benign is not then subjected to further curation. The score for this variant resulted in a classification of benign for this disease.

Laboratory for Molecular Medicine, Mass General Brigham Personalized Medicine
Classification: Benign. Last evaluated: 2016-03-29. Review status: criteria provided, single submitter. Criteria: LMM Criteria. Collection method: clinical testing. Allele origin: germline.
Comment: Variant identified in a genome or exome case(s) and assessed due to predicted null impact of the variant or pathogenic assertions in the literature or databases. Disclaimer: This variant has not undergone full assessment. The following are preliminary notes: Frequency

Breakthrough Genomics
Classification: Benign. Review status: criteria provided, single submitter. Criteria: ACMG Guidelines, 2015. Collection method: not provided. Allele origin: germline. Inheritance: Autosomal recessive inheritance. Affected: yes.

NM_080424.4(SP110):c.1731C>T (p.Cys577=)

Gene: SP110 (SP110 nuclear body protein; minus strand). Cytogenetic location: 2q37.1.
Variant type: single nucleotide variant.
Coding change: c.1731C>T on transcript NM_080424.4 (MANE Select); coding-DNA position 1731, C replaced by T.
Protein change: p.Cys577=; no amino-acid change (cysteine 577 retained).
Molecular consequence: synonymous variant.
Genome position (GRCh38, 1-based): chr2:230,172,150, G>A on the plus strand (C>T on the coding strand, the complement: SP110 is on the minus strand). VCF-style: chr2-230172150-G-A. GRCh37 (hg19) VCF-style: chr2-231036866-G-A.
Other names: c.1749C>T, p.Cys583= (NM_001378442.1, NM_001378444.1, NM_001378445.1 and 1 more transcripts); c.1731C>T, p.Cys577= (NM_001378443.1, NM_004509.5).
Identifiers: ClinVar variation 334898 (VCV000334898.17), dbSNP rs13018234, ClinGen allele CA2154363.